The following is an entry in ClinVar:

ClinVar aggregate classification (germline): Uncertain significance (1 of 4 stars; one submission).

Allele frequency attached by ClinVar (database versions not stated): gnomAD exomes below 0.00001.
gnomAD v4.1: 3 of 1,613,862 alleles (0.00019%); highest among the groups gnomAD compares: Non-Finnish European, 0.00025%; no homozygotes.

Submission:

Labcorp Genetics (formerly Invitae), Labcorp
Classification: Uncertain significance. Last evaluated: 2022-04-06. Review status: criteria provided, single submitter. Criteria: Invitae Variant Classification Sherloc (09022015). Collection method: clinical testing. Allele origin: germline.
Comment: In summary, the available evidence is currently insufficient to determine the role of this variant in disease. Therefore, it has been classified as a Variant of Uncertain Significance. Algorithms developed to predict the effect of missense changes on protein structure and function (SIFT, PolyPhen-2, Align-GVGD) all suggest that this variant is likely to be tolerated. This variant has not been reported in the literature in individuals affected with AP3B2-related conditions. This variant is not present in population databases (gnomAD no frequency). This sequence change replaces threonine, which is neutral and polar, with alanine, which is neutral and non-polar, at codon 405 of the AP3B2 protein (p.Thr405Ala).

NM_001278512.2(AP3B2):c.1213A>G (p.Thr405Ala)

Genes: AP3B2 (adaptor related protein complex 3 subunit beta 2; minus strand), CPEB1-AS1 (CPEB1 antisense RNA 1; plus strand). Cytogenetic location: 15q25.2.
Variant type: single nucleotide variant.
Coding change: c.1213A>G on transcript NM_001278512.2 (MANE Select); coding-DNA position 1213, A replaced by G.
Protein change: p.Thr405Ala; replaces threonine 405 with alanine.
Molecular consequence: missense variant.
Genome position (GRCh38, 1-based): chr15:82,678,137, T>C on the plus strand (A>G on the coding strand, the complement: AP3B2 is on the minus strand). VCF-style: chr15-82678137-T-C. GRCh37 (hg19) VCF-style: chr15-83346889-T-C.
Other names: c.1117A>G, p.Thr373Ala (NM_001278511.2); c.1213A>G, p.Thr405Ala (NM_004644.5); short protein forms T405A, T373A.
Identifiers: ClinVar variation 1966465 (VCV001966465.5), dbSNP rs2048275647, ClinGen allele CA393317364.